The following is an entry in ClinVar:

NM_080860.4(RSPH1):c.775G>A (p.Glu259Lys)

Gene: RSPH1 (radial spoke head component 1; minus strand). Cytogenetic location: 21q22.3.
Variant type: single nucleotide variant.
Coding change: c.775G>A on transcript NM_080860.4 (MANE Select); coding-DNA position 775, G replaced by A.
Protein change: p.Glu259Lys; replaces glutamic acid 259 with lysine.
Molecular consequence: missense variant.
Genome position (GRCh38, 1-based): chr21:42,476,000, C>T on the plus strand (G>A on the coding strand, the complement: RSPH1 is on the minus strand). VCF-style: chr21-42476000-C-T. GRCh37 (hg19) VCF-style: chr21-43896110-C-T.
Other names: c.661G>A, p.Glu221Lys (NM_001286506.2); short protein forms E221K, E259K.
Identifiers: ClinVar variation 1380381 (VCV001380381.4), dbSNP rs762397242, ClinGen allele CA10043748.

ClinVar aggregate classification (germline): Uncertain significance (1 of 4 stars; one submission).

Conditions:
Primary ciliary dyskinesia. Also called: Ciliary dyskinesia. Identifiers: Orphanet 244, MedGen C0008780, MONDO:0016575, HP:0012265.

Allele frequency attached by ClinVar (database versions not stated): gnomAD 0.00001; gnomAD exomes 0.00001 and 0.00002; ExAC 0.00002; TOPMed 0.00003.

Submission:

Labcorp Genetics (formerly Invitae), Labcorp
Classification: Uncertain significance for Primary ciliary dyskinesia. Last evaluated: 2022-11-02. Review status: criteria provided, single submitter. Criteria: Invitae Variant Classification Sherloc (09022015). Collection method: clinical testing. Allele origin: germline.
Comment: This variant has not been reported in the literature in individuals affected with RSPH1-related conditions. In summary, the available evidence is currently insufficient to determine the role of this variant in disease. Therefore, it has been classified as a Variant of Uncertain Significance. Algorithms developed to predict the effect of missense changes on protein structure and function (SIFT, PolyPhen-2, Align-GVGD) all suggest that this variant is likely to be tolerated. ClinVar contains an entry for this variant (Variation ID: 1380381). The frequency data for this variant in the population databases is considered unreliable, as metrics indicate poor data quality at this position in the gnomAD database. This sequence change replaces glutamic acid, which is acidic and polar, with lysine, which is basic and polar, at codon 259 of the RSPH1 protein (p.Glu259Lys).